The following is an entry in ClinVar:

ClinVar aggregate classification (germline): Uncertain significance. Review status: criteria provided, multiple submitters, no conflicts (2 of 4 stars). 2 submissions from 2 submitters: Uncertain significance (2). Last evaluated 2022-12-20.

Conditions:
Microcephaly, normal intelligence and immunodeficiency (NBS). Also called: Ataxia telangiectasia variant V1; SEEMANOVA SYNDROME II; Immunodeficiency, microcephaly with normal intelligence; Nijmegen breakage syndrome; Microcephaly with normal intelligence immunodeficiency and lymphoreticular malignancies; Nonsyndromal microcephaly autosomal recessive with normal intelligence. Identifiers: Orphanet 647, MedGen C0398791, MONDO:0009623, OMIM 251260.

Allele frequency attached by ClinVar (database versions not stated): gnomAD exomes below 0.00001; ExAC 0.00001.

Submissions (2):

Labcorp Genetics (formerly Invitae), Labcorp
Classification: Uncertain significance for Microcephaly, normal intelligence and immunodeficiency. Last evaluated: 2022-12-20. Review status: criteria provided, single submitter. Criteria: Invitae Variant Classification Sherloc (09022015). Collection method: clinical testing. Allele origin: germline.
Comment: This sequence change replaces cysteine, which is neutral and slightly polar, with serine, which is neutral and polar, at codon 269 of the NBN protein (p.Cys269Ser). This variant is present in population databases (rs768822147, gnomAD 0.003%). This variant has not been reported in the literature in individuals affected with NBN-related conditions. ClinVar contains an entry for this variant (Variation ID: 584728). Algorithms developed to predict the effect of missense changes on protein structure and function are either unavailable or do not agree on the potential impact of this missense change (SIFT: "Deleterious"; PolyPhen-2: "Probably Damaging"; Align-GVGD: "Class C0"). In summary, the available evidence is currently insufficient to determine the role of this variant in disease. Therefore, it has been classified as a Variant of Uncertain Significance.

Mendelics
Classification: Uncertain significance for Microcephaly, normal intelligence and immunodeficiency. Last evaluated: 2018-07-02. Review status: criteria provided, single submitter. Criteria: Mendelics Assertion Criteria 2017. Collection method: clinical testing. Allele origin: unknown.

NM_002485.5(NBN):c.806G>C (p.Cys269Ser)

Gene: NBN (nibrin; minus strand). Cytogenetic location: 8q21.3.
Variant type: single nucleotide variant.
Coding change: c.806G>C on transcript NM_002485.5 (MANE Select); coding-DNA position 806, G replaced by C.
Protein change: p.Cys269Ser; replaces cysteine 269 with serine.
Molecular consequence: missense variant.
Genome position (GRCh38, 1-based): chr8:89,970,454, C>G on the plus strand (G>C on the coding strand, the complement: NBN is on the minus strand). VCF-style: chr8-89970454-C-G. GRCh37 (hg19) VCF-style: chr8-90982682-C-G.
Other names: c.560G>C, p.Cys187Ser (NM_001024688.3); short protein forms C269S, C187S.
Identifiers: ClinVar variation 584728 (VCV000584728.5), dbSNP rs768822147, ClinGen allele CA4802881.